The following is an entry in ClinVar:

ClinVar aggregate classification (germline): Uncertain significance (1 of 4 stars; one submission).

Conditions:
Autosomal recessive ataxia, Beauce type. Also called: SYNE1-Related Autosomal Recessive Cerebellar Ataxia; Spinocerebellar ataxia, autosomal recessive 8; ATAXIA, RECESSIVE, OF BEAUCE; SYNE1 Deficiency. Identifiers: Orphanet 88644, MedGen C1853116, MONDO:0012549, OMIM 610743.
Emery-Dreifuss muscular dystrophy 4, autosomal dominant (EDMD4). Also called: EMERY-DREIFUSS MUSCULAR DYSTROPHY 4 WITH VARIABLE FEATURES. Identifiers: Orphanet 261, MedGen C2751807, MONDO:0013071, OMIM 612998.

Allele frequency attached by ClinVar (database versions not stated): TOPMed 0.00001.
gnomAD v4.1: 5 of 1,614,096 alleles (0.00031%); highest among the groups gnomAD compares: Non-Finnish European, 0.00042%; no homozygotes.

Submission:

Labcorp Genetics (formerly Invitae), Labcorp
Classification: Uncertain significance for Emery-Dreifuss muscular dystrophy 4, autosomal dominant; Autosomal recessive ataxia, Beauce type. Last evaluated: 2017-11-16. Review status: criteria provided, single submitter. Criteria: Invitae Variant Classification Sherloc (09022015). Collection method: clinical testing. Allele origin: germline.
Comment: This sequence change replaces glutamic acid with glycine at codon 1950 of the SYNE1 protein (p.Glu1950Gly). The glutamic acid residue is highly conserved and there is a moderate physicochemical difference between glutamic acid and glycine. This variant is not present in population databases (ExAC no frequency). This variant has not been reported in the literature in individuals with SYNE1-related disease. Algorithms developed to predict the effect of missense changes on protein structure and function output the following: SIFT: "Deleterious"; PolyPhen-2: "Benign"; Align-GVGD: "Class C65". The glycine amino acid residue is found in multiple mammalian species, suggesting that this missense change does not adversely affect protein function. These predictions have not been confirmed by published functional studies and their clinical significance is uncertain. In summary, the available evidence is currently insufficient to determine the role of this variant in disease. Therefore, it has been classified as a Variant of Uncertain Significance.

NM_182961.4(SYNE1):c.5828A>G (p.Glu1943Gly)

Gene: SYNE1 (spectrin repeat containing nuclear envelope protein 1; minus strand). Cytogenetic location: 6q25.2.
Variant type: single nucleotide variant.
Coding change: c.5828A>G on transcript NM_182961.4 (MANE Select); coding-DNA position 5828, A replaced by G.
Protein change: p.Glu1943Gly; replaces glutamic acid 1943 with glycine.
Molecular consequence: missense variant.
Genome position (GRCh38, 1-based): chr6:152,416,609, T>C on the plus strand (A>G on the coding strand, the complement: SYNE1 is on the minus strand). VCF-style: chr6-152416609-T-C. GRCh37 (hg19) VCF-style: chr6-152737744-T-C.
Other names: c.5849A>G, p.Glu1950Gly (NM_033071.5); short protein forms E1950G, E1943G.
Identifiers: ClinVar variation 538384 (VCV000538384.8), dbSNP rs963256304, ClinGen allele CA150207634.
Genomic context (GRCh38, chr6:152,416,609, plus strand): 5'-TGGATCCTCTCTACCTCTCCACAGAGCTGATCAGCCGTGGCTCTGCAGGAAGTCCTTTGC[T>C]CAGAGCTCCCGATTTTCAGATGGTATTGGGCTTTGGAAAGAATGCCATCCAGACTGACGG-3'
Protein context (NP_892006.3, residues 1933-1953): AQYHLKIGSS[Glu1943Gly]QRTSCRATAD